The following is an entry in ClinVar:

NM_015443.4(KANSL1):c.632C>T (p.Pro211Leu)

Gene: KANSL1 (KAT8 regulatory NSL complex subunit 1). Cytogenetic location: 17q21.31.
Variant type: single nucleotide variant.
Coding change: c.632C>T on transcript NM_015443.4 (MANE Select); coding-DNA position 632, C replaced by T.
Protein change: p.Pro211Leu; replaces proline 211 with leucine.
Molecular consequence: missense variant.
Genome position (GRCh38, 1-based): chr17:46,171,512, G>A on the plus strand (C>T on the coding strand, the complement: KANSL1 is on the minus strand). VCF-style: chr17-46171512-G-A. GRCh37 (hg19) VCF-style: chr17-44248878-G-A.
Other names: c.632C>T, p.Pro211Leu (NM_001193465.2, NM_001193466.2, NM_001379198.1); short protein forms P211L.
Identifiers: ClinVar variation 379666 (VCV000379666.2), dbSNP rs1057520685, ClinGen allele CA16607320.

ClinVar aggregate classification (germline): Likely benign (1 of 4 stars; one submission).

Submission:

GeneDx
Classification: Likely benign. Last evaluated: 2015-05-14. Review status: criteria provided, single submitter. Criteria: GeneDx Variant Classification (06012015). Collection method: clinical testing. Allele origin: germline. Affected: yes.
Comment: This variant is considered likely benign or benign based on one or more of the following criteria: it is a conservative change, it occurs at a poorly conserved position in the protein, it is predicted to be benign by multiple in silico algorithms, and/or has population frequency not consistent with disease.